The following is an entry in ClinVar:

ClinVar aggregate classification (germline): Likely benign. Review status: criteria provided, multiple submitters, no conflicts (2 of 4 stars). 7 submissions from 7 submitters: Likely benign (6). 1 of the submissions does not count toward it. Last evaluated 2025-12-20.

Conditions:
NF2-related disorder. Also called: NF2-related condition.
Neurofibromatosis, type 2 (SWNV). Also called: BILATERAL ACOUSTIC NEUROFIBROMATOSIS; SCHWANNOMATOSIS, VESTIBULAR; NF2-Related Schwannomatosis. Identifiers: Orphanet 637, MedGen C0027832, MONDO:0007039, OMIM 101000. Disease mechanism: loss of function.
Hereditary cancer-predisposing syndrome. Also called: Tumor predisposition; Hereditary Cancer Syndrome; Hereditary neoplastic syndrome; Neoplastic Syndromes, Hereditary. Identifiers: Orphanet 140162, MedGen C0027672, MeSH D009386, MONDO:0015356.

Allele frequency attached by ClinVar (database versions not stated): ExAC 0.00001; gnomAD 0.00001; gnomAD exomes 0.00001 and 0.00005; TOPMed 0.00004; ESP Exome Variant Server 0.00008.
gnomAD v4.1: 73 of 1,611,190 alleles (0.0045%); highest among the groups gnomAD compares: Non-Finnish European, 0.0057%; no homozygotes.

Submissions (7):

Labcorp Genetics (formerly Invitae), Labcorp
Classification: Likely benign for Neurofibromatosis, type 2. Last evaluated: 2025-12-20. Review status: criteria provided, single submitter. Criteria: Invitae Variant Classification Sherloc (09022015). Collection method: clinical testing. Allele origin: germline.

Color Diagnostics, LLC DBA Color Health
Classification: Likely benign for Neurofibromatosis, type 2. Last evaluated: 2025-06-30. Review status: criteria provided, single submitter. Criteria: ACMG Guidelines, 2015. Collection method: clinical testing. Allele origin: germline.

Blueprint Genetics
Classification: Likely benign. Last evaluated: 2024-09-19. Review status: criteria provided, single submitter. Criteria: ACMG Guidelines, 2015. Collection method: clinical testing. Allele origin: germline.

Women's Health and Genetics/Laboratory Corporation of America, LabCorp
Classification: Likely benign. Last evaluated: 2024-01-01. Review status: criteria provided, single submitter. Criteria: LabCorp Variant Classification Summary - May 2015. Collection method: clinical testing. Allele origin: germline.

GeneDx
Classification: Likely benign. Last evaluated: 2018-11-21. Review status: criteria provided, single submitter. Criteria: GeneDx Variant Classification Process June 2021. Collection method: clinical testing. Allele origin: germline. Affected: yes.

Ambry Genetics
Classification: Likely benign for Hereditary cancer-predisposing syndrome. Last evaluated: 2017-07-10. Review status: criteria provided, single submitter. Criteria: Ambry Variant Classification Scheme 2023. Collection method: clinical testing. Allele origin: germline.

PreventionGenetics, part of Exact Sciences
Classification: Likely benign for NF2-related condition. Last evaluated: 2022-04-14. Review status: no assertion criteria provided. Collection method: clinical testing. Allele origin: germline. Not counted in ClinVar's aggregate classification.
Comment: This variant is classified as likely benign based on ACMG/AMP sequence variant interpretation guidelines (Richards et al. 2015 PMID: 25741868, with internal and published modifications).

NM_000268.4(NF2):c.1311A>G (p.Ala437=)

Gene: NF2 (NF2, moesin-ezrin-radixin like (MERLIN) tumor suppressor; plus strand). Cytogenetic location: 22q12.2.
Variant type: single nucleotide variant.
Coding change: c.1311A>G on transcript NM_000268.4 (MANE Select); coding-DNA position 1311, A replaced by G.
Protein change: p.Ala437=; no amino-acid change (alanine 437 retained).
Molecular consequence: synonymous variant. On other transcripts: non-coding transcript variant (1), intron variant (1).
Genome position (GRCh38, 1-based): chr22:29,673,457, A>G. VCF-style: chr22-29673457-A-G. GRCh37 (hg19) VCF-style: chr22-30069446-A-G.
Other names: c.1311A>G, p.Ala437= (NM_016418.5, NM_181825.3, NM_181832.3); c.1185A>G, p.Ala395= (NM_181828.3); c.1188A>G, p.Ala396= (NM_181829.3); c.1062A>G, p.Ala354= (NM_181830.3, NM_181831.3); c.448-21295A>G (NM_181833.3); c.1311A>G (NM_181832.2).
Identifiers: ClinVar variation 417154 (VCV000417154.24), dbSNP rs144628209, ClinGen allele CA029492.